The following is an entry in ClinVar:

NM_001734.5(C1S):c.1259A>G (p.Lys420Arg)

Gene: C1S (complement C1s; plus strand). Cytogenetic location: 12p13.31.
Variant type: single nucleotide variant.
Coding change: c.1259A>G on transcript NM_001734.5 (MANE Select); coding-DNA position 1259, A replaced by G.
Protein change: p.Lys420Arg; replaces lysine 420 with arginine.
Molecular consequence: missense variant.
Genome position (GRCh38, 1-based): chr12:7,068,519, A>G. VCF-style: chr12-7068519-A-G. GRCh37 (hg19) VCF-style: chr12-7175823-A-G.
Other names: c.758A>G, p.Lys253Arg (NM_001346850.2); c.1259A>G, p.Lys420Arg (NM_201442.4); short protein forms K420R, K253R.
Identifiers: ClinVar variation 3715195 (VCV003715195.2).

ClinVar aggregate classification (germline): Uncertain significance (1 of 4 stars; one submission).

gnomAD v4.1: 11 of 1,613,014 alleles (0.00068%); highest among the groups gnomAD compares: Non-Finnish European, 0.00085%; no homozygotes.

Submission:

Labcorp Genetics (formerly Invitae), Labcorp
Classification: Uncertain significance. Last evaluated: 2024-09-10. Review status: criteria provided, single submitter. Criteria: Invitae Variant Classification Sherloc (09022015). Collection method: clinical testing. Allele origin: germline.
Comment: This sequence change replaces lysine, which is basic and polar, with arginine, which is basic and polar, at codon 420 of the C1S protein (p.Lys420Arg). This variant is present in population databases (no rsID available, gnomAD 0.0009%). This variant has not been reported in the literature in individuals affected with C1S-related conditions. Invitae Evidence Modeling of protein sequence and biophysical properties (such as structural, functional, and spatial information, amino acid conservation, physicochemical variation, residue mobility, and thermodynamic stability) indicates that this missense variant is not expected to disrupt C1S protein function with a negative predictive value of 80%. In summary, the available evidence is currently insufficient to determine the role of this variant in disease. Therefore, it has been classified as a Variant of Uncertain Significance.